The following is an entry in ClinVar:

ClinVar aggregate classification (germline): Benign/Likely benign. Review status: criteria provided, multiple submitters, no conflicts (2 of 4 stars). 17 submissions from 16 submitters: Benign (13); Likely benign (4). Last evaluated 2026-08-19.

Conditions:
Melanoma, uveal, susceptibility to, 2 (UVM2). Also called: Melanoma, uveal 2. Identifiers: Orphanet 39044, MedGen C1847723, MONDO:0011696, OMIM 606661.
Kury-Isidor syndrome (KURIS). Identifiers: MedGen C5676925, MONDO:0859230, OMIM 619762.
BAP1-related tumor predisposition syndrome (TPDS1). Also called: BAP1 tumor predisposition syndrome; TUMOR PREDISPOSITION SYNDROME 1; COMMON Syndrome; Tumor susceptibility linked to germline BAP1 mutations. Identifiers: Orphanet 289539, MedGen C3280492, MONDO:0013692, OMIM 614327.
Hereditary cancer-predisposing syndrome. Also called: Hereditary Cancer Syndrome; Tumor predisposition; Hereditary neoplastic syndrome; Neoplastic Syndromes, Hereditary. Identifiers: Orphanet 140162, MedGen C0027672, MeSH D009386, MONDO:0015356.

Allele frequency attached by ClinVar (database versions not stated): gnomAD 0.00359 and 0.00377; 1000 Genomes Project 0.00419; 1000 Genomes Project 30x 0.00437; ESP Exome Variant Server 0.00292; gnomAD exomes 0.00092 and 0.00037; ExAC 0.00117; TOPMed 0.00419.
gnomAD v4.1: 1,129 of 1,614,166 alleles (0.07%); highest among the groups gnomAD compares: African/African-American, 1.3%; 7 homozygotes.

Submissions (28):

Myriad Genetics, Inc.
Classification: Benign for BAP1-related tumor predisposition syndrome. Last evaluated: 2026-08-19. Review status: criteria provided, single submitter. Criteria: Myriad Autosomal Dominant, Autosomal Recessive and X-Linked Classification Criteria (2023). Collection method: clinical testing. Allele origin: unknown.
Comment: This variant is considered benign. Homozygosity has been confirmed in one or more individuals. As homozygosity for pathogenic variants in this gene is generally assumed to result in embryonic lethality, this variant is unlikely to be pathogenic. This variant has been observed at a population frequency that is significantly greater than expected given the associated disease prevalence and penetrance.

CeGaT Center for Human Genetics Tuebingen
Classification: Likely benign. Last evaluated: 2026-06-01. Review status: criteria provided, single submitter. Criteria: CeGaT Center For Human Genetics Tuebingen Variant Classification Criteria Version 2. Collection method: clinical testing. Allele origin: germline. Affected: yes. Observed: 5 variant alleles.
Comment: BAP1: BP4, BS1

Labcorp Genetics (formerly Invitae), Labcorp
Classification: Benign for BAP1-related tumor predisposition syndrome. Last evaluated: 2026-02-04. Review status: criteria provided, single submitter. Criteria: Invitae Variant Classification Sherloc (09022015). Collection method: clinical testing. Allele origin: germline.

Dasa
Classification: Benign. Last evaluated: 2026-01-22. Review status: criteria provided, single submitter. Criteria: DASA Assertion Criteria. Collection method: clinical testing. Allele origin: germline.
Comment: NM_004656.4(BAP1):c.783G>A (p.Gln261=) is interpreted as benign based on a combination of available evidence, including population frequency. Based on the available data, this variant is classified as benign.

Quest Diagnostics Nichols Institute San Juan Capistrano
Classification: Benign. Last evaluated: 2025-05-15. Review status: criteria provided, single submitter. Criteria: Quest Diagnostics criteria. Collection method: clinical testing. Allele origin: unknown.

Mayo Clinic Laboratories, Mayo Clinic
Classification: Likely benign. Last evaluated: 2025-05-03. Review status: criteria provided, single submitter. Criteria: ACMG Guidelines, 2015. Collection method: clinical testing. Allele origin: germline. Observed: 2 variant alleles.
Comment: BS1, BP4, BP7

Center for Genomic Medicine, Rigshospitalet, Copenhagen University Hospital
Classification: Benign. Last evaluated: 2025-03-04. Review status: criteria provided, single submitter. Criteria: ACMG Guidelines, 2015. Collection method: clinical testing. Allele origin: germline.

KCCC/NGS Laboratory, Kuwait Cancer Control Center
Classification: Benign for BAP1-related tumor predisposition syndrome. Last evaluated: 2025-02-01. Review status: criteria provided, single submitter. Criteria: ACMG Guidelines, 2015. Collection method: clinical testing. Allele origin: germline. Affected: no.

Blueprint Genetics
Classification: Likely benign. Last evaluated: 2024-11-05. Review status: criteria provided, single submitter. Criteria: ACMG Guidelines, 2015. Collection method: clinical testing. Allele origin: germline.

KCCC/NGS Laboratory, Kuwait Cancer Control Center
Classification: Benign for Melanoma, uveal, susceptibility to, 2. Last evaluated: 2023-07-07. Review status: criteria provided, single submitter. Criteria: ACMG Guidelines, 2015. Collection method: clinical testing. Allele origin: germline. Affected: yes.

Department of Pathology and Laboratory Medicine, Sinai Health System
Classification: Benign for Melanoma, uveal, susceptibility to, 2; BAP1-related tumor predisposition syndrome; Kury-Isidor syndrome. Last evaluated: 2023-06-12. Review status: criteria provided, single submitter. Criteria: ACMG Guidelines, 2015. Collection method: clinical testing. Allele origin: germline. Affected: yes.

Genetic Services Laboratory, University of Chicago
Classification: Benign. Last evaluated: 2019-08-23. Review status: criteria provided, single submitter. Criteria: ACMG Guidelines, 2015. Collection method: clinical testing. Allele origin: germline. Affected: no.

GeneDx
Classification: Benign. Last evaluated: 2019-04-11. Review status: criteria provided, single submitter. Criteria: GeneDx Variant Classification Process June 2021. Collection method: clinical testing. Allele origin: germline. Affected: yes.
Comment: This variant is associated with the following publications: (PMID: 28062663)

Color Diagnostics, LLC DBA Color Health
Classification: Benign for Hereditary cancer-predisposing syndrome. Last evaluated: 2016-03-18. Review status: criteria provided, single submitter. Criteria: ACMG Guidelines, 2015. Collection method: clinical testing. Allele origin: germline.

Ambry Genetics
Classification: Benign for Hereditary cancer-predisposing syndrome. Last evaluated: 2015-10-14. Review status: criteria provided, single submitter. Criteria: Ambry Variant Classification Scheme 2023. Collection method: clinical testing. Allele origin: germline.

Breakthrough Genomics
Classification: Likely benign. Review status: criteria provided, single submitter. Criteria: ACMG Guidelines, 2015. Collection method: not provided. Allele origin: germline. Inheritance: Autosomal dominant inheritance. Affected: yes.

PreventionGenetics, part of Exact Sciences
Classification: Benign. Review status: criteria provided, single submitter. Criteria: ACMG Guidelines, 2015. Collection method: clinical testing. Allele origin: germline.

Dr. Peter K. Rogan Lab, Western University
No classification provided (evidence only). Condition: Malignant tumor of urinary bladder. Review status: no classification provided. Collection method: in vitro. Allele origin: not applicable. Functional consequence: retained intron. Not counted in ClinVar's aggregate classification.

Dr. Peter K. Rogan Lab, Western University
No classification provided (evidence only). Condition: Clear cell carcinoma of kidney. Review status: no classification provided. Collection method: in vitro. Allele origin: not applicable. Functional consequence: retained intron. Not counted in ClinVar's aggregate classification.

Dr. Peter K. Rogan Lab, Western University
No classification provided (evidence only). Condition: Familial cancer of breast. Review status: no classification provided. Collection method: in vitro. Allele origin: not applicable. Functional consequence: retained intron. Not counted in ClinVar's aggregate classification.

Dr. Peter K. Rogan Lab, Western University
No classification provided (evidence only). Condition: Familial cancer of breast. Review status: no classification provided. Collection method: in vitro. Allele origin: not applicable. Functional consequence: retained intron. Not counted in ClinVar's aggregate classification.

Dr. Peter K. Rogan Lab, Western University
No classification provided (evidence only). Condition: Familial cancer of breast. Review status: no classification provided. Collection method: in vitro. Allele origin: not applicable. Functional consequence: retained intron. Not counted in ClinVar's aggregate classification.

Dr. Peter K. Rogan Lab, Western University
No classification provided (evidence only). Condition: Familial cancer of breast. Review status: no classification provided. Collection method: in vitro. Allele origin: not applicable. Functional consequence: retained intron. Not counted in ClinVar's aggregate classification.

Dr. Peter K. Rogan Lab, Western University
No classification provided (evidence only). Condition: Acute myeloid leukemia. Review status: no classification provided. Collection method: in vitro. Allele origin: not applicable. Functional consequence: retained intron. Not counted in ClinVar's aggregate classification.

Dr. Peter K. Rogan Lab, Western University
No classification provided (evidence only). Condition: Uterine corpus endometrial carcinoma. Review status: no classification provided. Collection method: in vitro. Allele origin: not applicable. Functional consequence: retained intron. Not counted in ClinVar's aggregate classification.

Dr. Peter K. Rogan Lab, Western University
No classification provided (evidence only). Condition: Uterine corpus endometrial carcinoma. Review status: no classification provided. Collection method: in vitro. Allele origin: not applicable. Functional consequence: retained intron. Not counted in ClinVar's aggregate classification.

Dr. Peter K. Rogan Lab, Western University
No classification provided (evidence only). Condition: Uterine corpus endometrial carcinoma. Review status: no classification provided. Collection method: in vitro. Allele origin: not applicable. Functional consequence: retained intron. Not counted in ClinVar's aggregate classification.

Dr. Peter K. Rogan Lab, Western University
No classification provided (evidence only). Condition: Ovarian serous cystadenocarcinoma. Review status: no classification provided. Collection method: in vitro. Allele origin: not applicable. Functional consequence: retained intron. Not counted in ClinVar's aggregate classification.

Literature cited by the submitters: PubMed 28062663 (cited by Quest Diagnostics Nichols Institute San Juan Capistrano).

NM_004656.4(BAP1):c.783G>A (p.Gln261=)

Gene: BAP1 (BRCA1 associated deubiquitinase 1; minus strand). Cytogenetic location: 3p21.1.
Variant type: single nucleotide variant.
Coding change: c.783G>A on transcript NM_004656.4 (MANE Select); coding-DNA position 783, G replaced by A.
Protein change: p.Gln261=; no amino-acid change (glutamine 261 retained).
Molecular consequence: synonymous variant.
Genome position (GRCh38, 1-based): chr3:52,406,253, C>T on the plus strand (G>A on the coding strand, the complement: BAP1 is on the minus strand). VCF-style: chr3-52406253-C-T. GRCh37 (hg19) VCF-style: chr3-52440269-C-T.
Other names: p.Gln261=; c.783G>A (LRG_529t1).
Identifiers: ClinVar variation 240067 (VCV000240067.51), dbSNP rs35003777, ClinGen allele CA2437007.
Genomic context (GRCh38, chr3:52,406,253, plus strand): 5'-AGGGAGGAGGAATGCAGGGAGGGTTGGGCTGGGCAGAGGCCAGGAAGAAAGGGCACCTAC[C>T]TGCTGCAGAGCCTCTAGTACTGTCTGACGGTTCACCTTCAGCACATGCAGCCTGGCCTCA-3'
Protein context (NP_004647.1, residues 251-271): NRQTVLEALQ[Gln261=]LIRVTQPELI